The following is an entry in ClinVar:

ClinVar aggregate classification (germline): Likely benign. Review status: criteria provided, multiple submitters, no conflicts (2 of 4 stars). 2 submissions from 2 submitters: Likely benign (2). Last evaluated 2025-09-30.

Allele frequency attached by ClinVar (database versions not stated): gnomAD 0.00022; gnomAD exomes 0.00030; ESP Exome Variant Server 0.00040; TOPMed 0.00015; ExAC 0.00018.

Submissions (2):

Labcorp Genetics (formerly Invitae), Labcorp
Classification: Likely benign. Last evaluated: 2025-09-30. Review status: criteria provided, single submitter. Criteria: Invitae Variant Classification Sherloc (09022015). Collection method: clinical testing. Allele origin: germline.

CeGaT Center for Human Genetics Tuebingen
Classification: Likely benign. Last evaluated: 2022-03-01. Review status: criteria provided, single submitter. Criteria: CeGaT Center For Human Genetics Tuebingen Variant Classification Criteria Version 2. Collection method: clinical testing. Allele origin: germline. Affected: yes. Observed: 1 variant allele.
Comment: CHD4: BP4, BS2

NM_001273.5(CHD4):c.2514+8_2514+9del

Gene: CHD4 (chromodomain helicase DNA binding protein 4; minus strand). Cytogenetic location: 12p13.31.
Variant type: Deletion.
Coding change: c.2514+8_2514+9del on transcript NM_001273.5 (MANE Select); bases 8 to 9 of the intron after coding-DNA position 2514, 2 bases deleted (AG; older notation c.2514+8_2514+9delAG).
Molecular consequence: intron variant.
Genome position (GRCh38, 1-based): chr12:6,593,407-6,593,408, CT deleted on the plus strand (AG on the coding strand, the reverse complement: CHD4 is on the minus strand). VCF-style (leftmost placement, unchanged base first): chr12-6593406-CCT-C. GRCh37 (hg19) VCF-style: chr12-6702572-CCT-C.
Other names: c.2475+8_2475+9del (NM_001363606.2); c.2493+8_2493+9del (NM_001297553.2).
Identifiers: ClinVar variation 2642628 (VCV002642628.26), dbSNP rs753004819, ClinGen allele CA6411956.